The following is an entry in ClinVar:

ClinVar aggregate classification (germline): Pathogenic (1 of 4 stars; one submission).

Conditions:
Familial adenomatous polyposis 1 (FAP1). Also called: FAMILIAL ADENOMATOUS POLYPOSIS 1, ATTENUATED; POLYPOSIS, ADENOMATOUS INTESTINAL. Identifiers: MedGen C2713442, MONDO:0021056, OMIM 175100. Disease mechanism: loss of function.

Submission:

Myriad Genetics, Inc.
Classification: Pathogenic for Familial adenomatous polyposis 1. Last evaluated: 2023-05-02. Review status: criteria provided, single submitter. Criteria: Myriad Autosomal Dominant, Autosomal Recessive and X-Linked Classification Criteria (2023). Collection method: clinical testing. Allele origin: unknown.
Comment: This variant is considered pathogenic. This variant creates a termination codon and is predicted to result in premature protein truncation.

NM_000038.6(APC):c.1619T>G (p.Leu540Ter)

Gene: APC (APC regulator of Wnt signaling pathway; plus strand). Cytogenetic location: 5q22.2.
Variant type: single nucleotide variant.
Coding change: c.1619T>G on transcript NM_000038.6 (MANE Select); coding-DNA position 1619, T replaced by G.
Protein change: p.Leu540Ter; replaces leucine 540 with a stop codon.
Molecular consequence: nonsense.
Genome position (GRCh38, 1-based): chr5:112,827,999, T>G. VCF-style: chr5-112827999-T-G. GRCh37 (hg19) VCF-style: chr5-112163696-T-G.
Other names: c.1619T>G, p.Leu540Ter (NM_001127510.3, NM_001354895.2, NM_001407450.1); c.1565T>G, p.Leu522Ter (NM_001127511.3); c.1673T>G, p.Leu558Ter (NM_001354896.2, NM_001407447.1, NM_001407448.1 and 1 more transcripts); c.1649T>G, p.Leu550Ter (NM_001354897.2); c.1544T>G, p.Leu515Ter (NM_001354898.2); c.1535T>G, p.Leu512Ter (NM_001354899.2); c.1496T>G, p.Leu499Ter (NM_001354900.2); c.1442T>G, p.Leu481Ter (NM_001354901.2, NM_001407453.1); and 11 more; short protein forms L156*, L257*, L380*, L411*, L414*, L439*, L449*, L457*.
Identifiers: ClinVar variation 2584202 (VCV002584202.1), dbSNP rs1763886479, ClinGen allele CA16024844.
Genomic context (GRCh38, chr5:112,827,999, plus strand): 5'-GCTCTATGAAAGGCTGCATGAGAGCACTTGTGGCCCAACTAAAATCTGAAAGTGAAGACT[T>G]ACAGCAGGTACTATTTAGAATTTCACCTGTTTTTCTTTTTTCTCTTTTTCTTTGAGGCAG-3'